The following is an entry in ClinVar:

NM_001042681.2(RERE):c.2270G>A (p.Gly757Glu)

Gene: RERE (arginine-glutamic acid dipeptide repeats; minus strand). Cytogenetic location: 1p36.23.
Variant type: single nucleotide variant.
Coding change: c.2270G>A on transcript NM_001042681.2 (MANE Select); coding-DNA position 2270, G replaced by A.
Protein change: p.Gly757Glu; replaces glycine 757 with glutamic acid.
Molecular consequence: missense variant.
Genome position (GRCh38, 1-based): chr1:8,361,237, C>T on the plus strand (G>A on the coding strand, the complement: RERE is on the minus strand). VCF-style: chr1-8361237-C-T. GRCh37 (hg19) VCF-style: chr1-8421297-C-T.
Other names: c.608G>A, p.Gly203Glu (NM_001042682.2); c.2270G>A, p.Gly757Glu (NM_012102.4); short protein forms G203E, G757E.
Identifiers: ClinVar variation 2628929 (VCV002628929.2), dbSNP rs368014703, ClinGen allele CA571403.
Genomic context (GRCh38, chr1:8,361,237, plus strand): 5'-CCCTGTGGGGGAACTGCAGTGGCAGAGGGCGTGGGCCCTGGCGTGGGCAGCTGAGGGGTC[C>T]CTGGAGGAGCTGAGGAGGGAGCTGGGGTGACCCCAGTGGGAGCCTGCAAGGCTGGGGGCT-3'
Protein context (NP_001036146.1, residues 747-767): VTPAPSSAPP[Gly757Glu]TPQLPTPGPT

ClinVar aggregate classification (germline): Uncertain significance (1 of 4 stars; one submission).

Conditions:
RERE-related disorder. Also called: RERE-related condition; RERE-Related Disorders. Identifiers: MedGen CN381537.

Allele frequency attached by ClinVar (database versions not stated): gnomAD 0.00001; ExAC 0.00002; TOPMed 0.00002; ESP Exome Variant Server 0.00008.
gnomAD v4.1: 18 of 1,552,100 alleles (0.0012%); highest among the groups gnomAD compares: East Asian, 0.0023%; no homozygotes.

Submission:

PreventionGenetics, part of Exact Sciences
Classification: Uncertain significance for RERE-related condition. Last evaluated: 2026-01-06. Review status: criteria provided, single submitter. Criteria: ACMG Guidelines, 2015. Collection method: clinical testing. Allele origin: germline.
Comment: The RERE c.2270G>A variant is predicted to result in the amino acid substitution p.Gly757Glu. To our knowledge, this variant has not been reported in the literature. This variant is reported in 0.0059% of alleles in individuals of East Asian descent in gnomAD. At this time, the clinical significance of this variant is uncertain due to the absence of conclusive functional and genetic evidence.